The following is an entry in ClinVar:

ClinVar aggregate classification (germline): Uncertain significance (1 of 4 stars; one submission).

Conditions:
Chromosome 2q32-q33 deletion syndrome (GLASS). Also called: Glass syndrome; 2q33.1 deletion syndrome. Identifiers: Orphanet 251019, MedGen C2676739, MONDO:0012864, OMIM 612313.

Submission:

Labcorp Genetics (formerly Invitae), Labcorp
Classification: Uncertain significance for Chromosome 2q32-q33 deletion syndrome. Last evaluated: 2020-12-28. Review status: criteria provided, single submitter. Criteria: Invitae Variant Classification Sherloc (09022015). Collection method: clinical testing. Allele origin: germline.
Comment: In summary, the available evidence is currently insufficient to determine the role of this variant in disease. Therefore, it has been classified as a Variant of Uncertain Significance. Advanced modeling of protein sequence and biophysical properties (such as structural, functional, and spatial information, amino acid conservation, physicochemical variation, residue mobility, and thermodynamic stability) performed at Invitae indicates that this missense variant is not expected to disrupt SATB2 protein function. This variant has not been reported in the literature in individuals with SATB2-related conditions. This variant is not present in population databases (ExAC no frequency). This sequence change replaces glutamic acid with lysine at codon 592 of the SATB2 protein (p.Glu592Lys). The glutamic acid residue is moderately conserved and there is a small physicochemical difference between glutamic acid and lysine.

NM_001172509.2(SATB2):c.1774G>A (p.Glu592Lys)

Genes: SATB2 (SATB homeobox 2; minus strand), LOC126806462 (MED14-independent group 3 enhancer GRCh37_chr2:200136608-200137807; plus strand). Cytogenetic location: 2q33.1.
Variant type: single nucleotide variant.
Coding change: c.1774G>A on transcript NM_001172509.2 (MANE Select); coding-DNA position 1774, G replaced by A.
Protein change: p.Glu592Lys; replaces glutamic acid 592 with lysine.
Molecular consequence: missense variant.
Genome position (GRCh38, 1-based): chr2:199,272,639, C>T on the plus strand (G>A on the coding strand, the complement: SATB2 is on the minus strand). VCF-style: chr2-199272639-C-T. GRCh37 (hg19) VCF-style: chr2-200137362-C-T.
Other names: c.1774G>A, p.Glu592Lys (NM_001172517.1, NM_015265.4); short protein forms E592K.
Identifiers: ClinVar variation 1513034 (VCV001513034.8), dbSNP rs2105707521, ClinGen allele CA350386034.